The following is an entry in ClinVar:

ClinVar aggregate classification (germline): Uncertain significance. Review status: criteria provided, multiple submitters, no conflicts (2 of 4 stars). 2 submissions from 2 submitters: Uncertain significance (2). Last evaluated 2023-12-11.

Conditions:
Cardiovascular phenotype. Identifiers: MedGen CN230736.

Allele frequency attached by ClinVar (database versions not stated): gnomAD exomes below 0.00001.
gnomAD v4.1: 2 of 1,574,184 alleles (0.00013%); highest among the groups gnomAD compares: Non-Finnish European, 0.00017%; no homozygotes.

Submissions (2):

GeneDx
Classification: Uncertain significance. Last evaluated: 2023-12-11. Review status: criteria provided, single submitter. Criteria: GeneDx Variant Classification Process June 2021. Collection method: clinical testing. Allele origin: germline. Affected: yes.
Comment: Not observed at significant frequency in large population cohorts (gnomAD); In silico analysis supports that this missense variant has a deleterious effect on protein structure/function; Has not been previously published as pathogenic or benign to our knowledge

Ambry Genetics
Classification: Uncertain significance for Cardiovascular phenotype. Last evaluated: 2023-02-23. Review status: criteria provided, single submitter. Criteria: Ambry Variant Classification Scheme 2023. Collection method: clinical testing. Allele origin: germline.

NM_001365276.2(TNXB):c.1067G>A (p.Arg356His)

Gene: TNXB (tenascin XB; minus strand). Cytogenetic location: 6p21.33.
Variant type: single nucleotide variant.
Coding change: c.1067G>A on transcript NM_001365276.2 (MANE Select); coding-DNA position 1067, G replaced by A.
Protein change: p.Arg356His; replaces arginine 356 with histidine.
Molecular consequence: missense variant.
Genome position (GRCh38, 1-based): chr6:32,096,786, C>T on the plus strand (G>A on the coding strand, the complement: TNXB is on the minus strand). VCF-style: chr6-32096786-C-T. GRCh37 (hg19) VCF-style: chr6-32064563-C-T.
Other names: c.1067G>A, p.Arg356His (NM_019105.8); short protein forms R356H.
Identifiers: ClinVar variation 2487936 (VCV002487936.3), dbSNP rs2483761799, ClinGen allele CA363483950.